The following is an entry in ClinVar:

NM_001852.4(COL9A2):c.1553G>T (p.Arg518Leu)

Gene: COL9A2 (collagen type IX alpha 2 chain; minus strand). Cytogenetic location: 1p34.2.
Variant type: single nucleotide variant.
Coding change: c.1553G>T on transcript NM_001852.4 (MANE Select); coding-DNA position 1553, G replaced by T.
Protein change: p.Arg518Leu; replaces arginine 518 with leucine.
Molecular consequence: missense variant.
Genome position (GRCh38, 1-based): chr1:40,303,181, C>A on the plus strand (G>T on the coding strand, the complement: COL9A2 is on the minus strand). VCF-style: chr1-40303181-C-A. GRCh37 (hg19) VCF-style: chr1-40768853-C-A.
Other names: short protein forms R518L.
Identifiers: ClinVar variation 1304207 (VCV001304207.12), dbSNP rs200949058, ClinGen allele CA791394.

ClinVar aggregate classification (germline): Uncertain significance. Review status: criteria provided, multiple submitters, no conflicts (2 of 4 stars). 5 submissions from 5 submitters: Uncertain significance (5). Last evaluated 2026-02-04.

Conditions:
COL9A2-related disorder. Also called: COL9A2-related condition.
Inborn genetic diseases. Identifiers: MedGen C0950123, MeSH D030342.

Allele frequency attached by ClinVar (database versions not stated): TOPMed 0.00017; 1000 Genomes Project 0.00040; 1000 Genomes Project 30x 0.00047.
gnomAD v4.1: 20 of 1,611,286 alleles (0.0012%); highest among the groups gnomAD compares: Admixed American, 0.02%; no homozygotes.

Submissions (5):

Labcorp Genetics (formerly Invitae), Labcorp
Classification: Uncertain significance. Last evaluated: 2026-02-04. Review status: criteria provided, single submitter. Criteria: Invitae Variant Classification Sherloc (09022015). Collection method: clinical testing. Allele origin: germline.
Comment: This sequence change replaces arginine, which is basic and polar, with leucine, which is neutral and non-polar, at codon 518 of the COL9A2 protein (p.Arg518Leu). The frequency data for this variant in the population databases is considered unreliable, as metrics indicate poor data quality at this position in the gnomAD database. This variant has not been reported in the literature in individuals affected with COL9A2-related conditions. ClinVar contains an entry for this variant (Variation ID: 1304207). Invitae Evidence Modeling of protein sequence and biophysical properties (such as structural, functional, and spatial information, amino acid conservation, physicochemical variation, residue mobility, and thermodynamic stability) indicates that this missense variant is not expected to disrupt COL9A2 protein function with a negative predictive value of 95%. In summary, the available evidence is currently insufficient to determine the role of this variant in disease. Therefore, it has been classified as a Variant of Uncertain Significance.

Ambry Genetics
Classification: Uncertain significance for Inborn genetic diseases. Last evaluated: 2025-11-12. Review status: criteria provided, single submitter. Criteria: Ambry Variant Classification Scheme 2023. Collection method: clinical testing. Allele origin: germline.

PreventionGenetics, part of Exact Sciences
Classification: Uncertain significance for COL9A2-related condition. Last evaluated: 2025-09-05. Review status: criteria provided, single submitter. Criteria: ACMG Guidelines, 2015. Collection method: clinical testing. Allele origin: germline.
Comment: The COL9A2 c.1553G>T variant is predicted to result in the amino acid substitution p.Arg518Leu. To our knowledge, this variant has not been reported in the literature. This variant is reported in 0.0029% of alleles in individuals of Latino descent in gnomAD. At this time, the clinical significance of this variant is uncertain due to the absence of conclusive functional and genetic evidence.

Blueprint Genetics
Classification: Uncertain significance. Last evaluated: 2023-10-31. Review status: criteria provided, single submitter. Criteria: ACMG Guidelines, 2015. Collection method: clinical testing. Allele origin: germline.

GeneDx
Classification: Uncertain significance. Last evaluated: 2019-04-12. Review status: criteria provided, single submitter. Criteria: GeneDx Variant Classification Process June 2021. Collection method: clinical testing. Allele origin: germline. Affected: yes.
Comment: Has not been previously published as pathogenic or benign to our knowledge; Not observed at a significant frequency in large population cohorts (Lek et al., 2016); In silico analysis, which includes protein predictors and evolutionary conservation, supports that this variant does not alter protein structure/function